The following is an entry in ClinVar:

NM_024753.5(TTC21B):c.1438G>A (p.Val480Ile)

Gene: TTC21B (tetratricopeptide repeat domain 21B; minus strand). Cytogenetic location: 2q24.3.
Variant type: single nucleotide variant.
Coding change: c.1438G>A on transcript NM_024753.5 (MANE Select); coding-DNA position 1438, G replaced by A.
Protein change: p.Val480Ile; replaces valine 480 with isoleucine.
Molecular consequence: missense variant.
Genome position (GRCh38, 1-based): chr2:165,924,627, C>T on the plus strand (G>A on the coding strand, the complement: TTC21B is on the minus strand). VCF-style: chr2-165924627-C-T. GRCh37 (hg19) VCF-style: chr2-166781137-C-T.
Other names: short protein forms V480I.
Identifiers: ClinVar variation 2012241 (VCV002012241.4), dbSNP rs763244073, ClinGen allele CA1942124.

ClinVar aggregate classification (germline): Uncertain significance (1 of 4 stars; one submission).

Conditions:
Nephronophthisis. Also called: Juvenile Nephronophthisis. Identifiers: Orphanet 655, MedGen C0687120, MONDO:0019005, HP:0000090.
Jeune thoracic dystrophy. Also called: Short-rib thoracic dysplasia; Jeune syndrome; Infantile thoracic dystrophy; Thoracic pelvic phalangeal dystrophy; Jeune's syndrome; Chondroectodermal dysplasia-like syndrome. Identifiers: Orphanet 474, MedGen C0265275, MONDO:0018770.

Allele frequency attached by ClinVar (database versions not stated): gnomAD exomes below 0.00001; ExAC 0.00001.

Submission:

Labcorp Genetics (formerly Invitae), Labcorp
Classification: Uncertain significance for Jeune thoracic dystrophy; Nephronophthisis. Last evaluated: 2022-06-29. Review status: criteria provided, single submitter. Criteria: Invitae Variant Classification Sherloc (09022015). Collection method: clinical testing. Allele origin: germline.
Comment: This sequence change replaces valine, which is neutral and non-polar, with isoleucine, which is neutral and non-polar, at codon 480 of the TTC21B protein (p.Val480Ile). This variant is present in population databases (rs763244073, gnomAD 0.006%). This variant has not been reported in the literature in individuals affected with TTC21B-related conditions. Algorithms developed to predict the effect of missense changes on protein structure and function output the following: SIFT: "Tolerated"; PolyPhen-2: "Benign"; Align-GVGD: "Class C0". The isoleucine amino acid residue is found in multiple mammalian species, which suggests that this missense change does not adversely affect protein function. In summary, the available evidence is currently insufficient to determine the role of this variant in disease. Therefore, it has been classified as a Variant of Uncertain Significance.